The following is an entry in ClinVar:

ClinVar aggregate classification (germline): Uncertain significance (1 of 4 stars; one submission).

Conditions:
Perlman syndrome (PRLMNS). Identifiers: Orphanet 2849, MedGen C0796113, MONDO:0009965, OMIM 267000.

Allele frequency attached by ClinVar (database versions not stated): gnomAD 0.00001; TOPMed 0.00001.
gnomAD v4.1: 13 of 1,611,802 alleles (0.00081%); highest among the groups gnomAD compares: African/African-American, 0.0027%; no homozygotes.

Submission:

Labcorp Genetics (formerly Invitae), Labcorp
Classification: Uncertain significance for Perlman syndrome. Last evaluated: 2025-07-17. Review status: criteria provided, single submitter. Criteria: Invitae Variant Classification Sherloc (09022015). Collection method: clinical testing. Allele origin: germline.
Comment: This sequence change replaces proline, which is neutral and non-polar, with leucine, which is neutral and non-polar, at codon 208 of the DIS3L2 protein (p.Pro208Leu). The frequency data for this variant in the population databases is considered unreliable, as metrics indicate poor data quality at this position in the gnomAD database. This variant has not been reported in the literature in individuals affected with DIS3L2-related conditions. ClinVar contains an entry for this variant (Variation ID: 531922). An algorithm developed to predict the effect of missense changes on protein structure and function outputs the following: PolyPhen-2: "Benign". The leucine amino acid residue is found in multiple mammalian species, which suggests that this missense change does not adversely affect protein function. In summary, the available evidence is currently insufficient to determine the role of this variant in disease. Therefore, it has been classified as a Variant of Uncertain Significance.

NM_152383.5(DIS3L2):c.623C>T (p.Pro208Leu)

Gene: DIS3L2 (DIS3 like 3'-5' exoribonuclease 2; plus strand). Cytogenetic location: 2q37.1.
Variant type: single nucleotide variant.
Coding change: c.623C>T on transcript NM_152383.5 (MANE Select); coding-DNA position 623, C replaced by T.
Protein change: p.Pro208Leu; replaces proline 208 with leucine.
Molecular consequence: missense variant. On other transcripts: non-coding transcript variant (2).
Genome position (GRCh38, 1-based): chr2:232,130,640, C>T. VCF-style: chr2-232130640-C-T. GRCh37 (hg19) VCF-style: chr2-232995350-C-T.
Other names: c.623C>T, p.Pro208Leu (NM_001257281.2, NM_001257282.2); short protein forms P208L.
Identifiers: ClinVar variation 531922 (VCV000531922.11), dbSNP rs1022276697, ClinGen allele CA67511471.
Genomic context (GRCh38, chr2:232,130,640, plus strand): 5'-GTTGATGACTCCTCTTCTCTCTTTATCTTTTTAATGTAGGAAGAGAGGATGGTGATGCAC[C>T]GGTTACAAAAGATGAGACCACCTGCATTTCACAAGACACAAGAGCTTTATCGGAGAAATC-3'
Protein context (NP_689596.4, residues 198-218): SEKGREDGDA[Pro208Leu]VTKDETTCIS